The following is an entry in ClinVar:

ClinVar aggregate classification (germline): Likely benign (0 of 4 stars; one submission).

Conditions:
KIF17-related disorder. Also called: KIF17-related condition.

Allele frequency attached by ClinVar (database versions not stated): ExAC 0.00036; ESP Exome Variant Server 0.00077; gnomAD 0.00104; TOPMed 0.00108; 1000 Genomes Project 0.00160; 1000 Genomes Project 30x 0.00172.
gnomAD v4.1: 328 of 1,613,274 alleles (0.02%); highest among the groups gnomAD compares: African/African-American, 0.36%; 2 homozygotes.

Submission:

PreventionGenetics, part of Exact Sciences
Classification: Likely benign for KIF17-related condition. Last evaluated: 2022-02-18. Review status: no assertion criteria provided. Collection method: clinical testing. Allele origin: germline.
Comment: This variant is classified as likely benign based on ACMG/AMP sequence variant interpretation guidelines (Richards et al. 2015 PMID: 25741868, with internal and published modifications).

NM_001122819.3(KIF17):c.2790+9C>T

Gene: KIF17 (kinesin family member 17; minus strand). Cytogenetic location: 1p36.12.
Variant type: single nucleotide variant.
Coding change: c.2790+9C>T on transcript NM_001122819.3 (MANE Select); 9 bases into the intron after coding-DNA position 2790, C replaced by T.
Molecular consequence: intron variant.
Genome position (GRCh38, 1-based): chr1:20,670,412, G>A on the plus strand (C>T on the coding strand, the complement: KIF17 is on the minus strand). VCF-style: chr1-20670412-G-A. GRCh37 (hg19) VCF-style: chr1-20996905-G-A.
Other names: c.2793+9C>T (NM_020816.4); c.2493+9C>T (NM_001287212.2).
Identifiers: ClinVar variation 3037311 (VCV003037311.2), dbSNP rs191366066, ClinGen allele CA661542.